The following is an entry in ClinVar:

NM_019098.5(CNGB3):c.1376T>C (p.Met459Thr)

Gene: CNGB3 (cyclic nucleotide gated channel subunit beta 3; minus strand). Cytogenetic location: 8q21.3.
Variant type: single nucleotide variant.
Coding change: c.1376T>C on transcript NM_019098.5 (MANE Select); coding-DNA position 1376, T replaced by C.
Protein change: p.Met459Thr; replaces methionine 459 with threonine.
Molecular consequence: missense variant.
Genome position (GRCh38, 1-based): chr8:86,629,023, A>G on the plus strand (T>C on the coding strand, the complement: CNGB3 is on the minus strand). VCF-style: chr8-86629023-A-G. GRCh37 (hg19) VCF-style: chr8-87641251-A-G.
Other names: c.1376T>C (NM_019098.4); short protein forms M459T.
Identifiers: ClinVar variation 1064233 (VCV001064233.7), dbSNP rs375886578, ClinGen allele CA4800038.

ClinVar aggregate classification (germline): Uncertain significance. Review status: criteria provided, multiple submitters, no conflicts (2 of 4 stars). 4 submissions from 4 submitters: Uncertain significance (3). 1 of the submissions does not count toward it. Last evaluated 2024-07-14.

Conditions:
Inborn genetic diseases. Identifiers: MedGen C0950123, MeSH D030342.
Achromatopsia. Also called: Rod monochromatism. Identifiers: Orphanet 49382, MedGen C0152200, MONDO:0018852, HP:0011516.

Allele frequency attached by ClinVar (database versions not stated): gnomAD exomes 0.00001; ExAC 0.00002; gnomAD 0.00007 and 0.00008; ESP Exome Variant Server 0.00008; TOPMed 0.00011.
gnomAD v4.1: 19 of 1,613,958 alleles (0.0012%); highest among the groups gnomAD compares: African/African-American, 0.02%; no homozygotes.

Submissions (4):

Blueprint Genetics
Classification: Uncertain significance. Last evaluated: 2024-07-14. Review status: criteria provided, single submitter. Criteria: ACMG Guidelines, 2015. Collection method: clinical testing. Allele origin: germline.

Ambry Genetics
Classification: Uncertain significance for Inborn genetic diseases. Last evaluated: 2024-05-28. Review status: criteria provided, single submitter. Criteria: Ambry Variant Classification Scheme 2023. Collection method: clinical testing. Allele origin: germline.

Labcorp Genetics (formerly Invitae), Labcorp
Classification: Uncertain significance. Last evaluated: 2022-10-13. Review status: criteria provided, single submitter. Criteria: Invitae Variant Classification Sherloc (09022015). Collection method: clinical testing. Allele origin: germline.
Comment: This sequence change replaces methionine, which is neutral and non-polar, with threonine, which is neutral and polar, at codon 459 of the CNGB3 protein (p.Met459Thr). This variant is present in population databases (rs375886578, gnomAD 0.02%). This variant has not been reported in the literature in individuals affected with CNGB3-related conditions. ClinVar contains an entry for this variant (Variation ID: 1064233). Advanced modeling of protein sequence and biophysical properties (such as structural, functional, and spatial information, amino acid conservation, physicochemical variation, residue mobility, and thermodynamic stability) performed at Invitae indicates that this missense variant is expected to disrupt CNGB3 protein function. In summary, the available evidence is currently insufficient to determine the role of this variant in disease. Therefore, it has been classified as a Variant of Uncertain Significance.

Natera, Inc.
Classification: Uncertain significance for Achromatopsia. Last evaluated: 2020-03-04. Review status: no assertion criteria provided. Collection method: clinical testing. Allele origin: germline. Not counted in ClinVar's aggregate classification.